The following is an entry in ClinVar:

ClinVar aggregate classification (germline): Uncertain significance (1 of 4 stars; one submission).

Conditions:
Fanconi anemia complementation group J. Also called: BRIP1-Related Fanconi Anemia. Identifiers: Orphanet 84, MedGen C1836860, MONDO:0012187, OMIM 609054.
Familial cancer of breast. Also called: Hereditary breast cancer; hereditary breast carcinoma; BREAST CANCER, FAMILIAL. Identifiers: Orphanet 227535, MedGen C0346153, MONDO:0016419, OMIM 114480. Disease mechanism: loss of function.

Submission:

Labcorp Genetics (formerly Invitae), Labcorp
Classification: Uncertain significance for Familial cancer of breast; Fanconi anemia complementation group J. Last evaluated: 2025-03-20. Review status: criteria provided, single submitter. Criteria: Invitae Variant Classification Sherloc (09022015). Collection method: clinical testing. Allele origin: germline.
Comment: This sequence change replaces leucine, which is neutral and non-polar, with valine, which is neutral and non-polar, at codon 679 of the BRIP1 protein (p.Leu679Val). This variant is not present in population databases (gnomAD no frequency). This variant has not been reported in the literature in individuals affected with BRIP1-related conditions. Invitae Evidence Modeling of protein sequence and biophysical properties (such as structural, functional, and spatial information, amino acid conservation, physicochemical variation, residue mobility, and thermodynamic stability) has been performed for this missense variant. However, the output from this modeling did not meet the statistical confidence thresholds required to predict the impact of this variant on BRIP1 protein function. In summary, the available evidence is currently insufficient to determine the role of this variant in disease. Therefore, it has been classified as a Variant of Uncertain Significance.

NM_032043.3(BRIP1):c.2035C>G (p.Leu679Val)

Gene: BRIP1 (BRCA1 interacting DNA helicase 1; minus strand). Cytogenetic location: 17q23.2.
Variant type: single nucleotide variant.
Coding change: c.2035C>G on transcript NM_032043.3 (MANE Select); coding-DNA position 2035, C replaced by G.
Protein change: p.Leu679Val; replaces leucine 679 with valine.
Molecular consequence: missense variant.
Genome position (GRCh38, 1-based): chr17:61,776,463, G>C on the plus strand (C>G on the coding strand, the complement: BRIP1 is on the minus strand). VCF-style: chr17-61776463-G-C. GRCh37 (hg19) VCF-style: chr17-59853824-G-C.
Other names: short protein forms L679V.
Identifiers: ClinVar variation 4783572 (VCV004783572.1).